The following is an entry in ClinVar:

ClinVar aggregate classification (germline): Benign/Likely benign. Review status: criteria provided, multiple submitters, no conflicts (2 of 4 stars). 6 submissions from 6 submitters: Benign (3); Likely benign (2). 1 of the submissions does not count toward it. Last evaluated 2023-02-01.

Conditions:
Autosomal dominant nonsyndromic hearing loss 56. Also called: Deafness, autosomal dominant 56. Identifiers: Orphanet 90635, MedGen C3810170, MONDO:0014283, OMIM 615629.
TNC-related disorder. Also called: TNC-related condition.

Allele frequency attached by ClinVar (database versions not stated): TOPMed 0.00167; 1000 Genomes Project 0.00240; 1000 Genomes Project 30x 0.00312.
gnomAD v4.1: 4,632 of 1,614,104 alleles (0.29%); highest among the groups gnomAD compares: South Asian, 0.68%; 10 homozygotes.

Submissions (6):

CeGaT Center for Human Genetics Tuebingen
Classification: Benign. Last evaluated: 2023-02-01. Review status: criteria provided, single submitter. Criteria: CeGaT Center For Human Genetics Tuebingen Variant Classification Criteria Version 2. Collection method: clinical testing. Allele origin: germline. Affected: yes. Observed: 1 variant allele.
Comment: TNC: BP4, BS1, BS2

Genome-Nilou Lab
Classification: Benign for Autosomal dominant nonsyndromic hearing loss 56. Last evaluated: 2022-03-15. Review status: criteria provided, single submitter. Criteria: ACMG Guidelines, 2015. Collection method: clinical testing. Allele origin: germline. Affected: no.

GeneDx
Classification: Benign. Last evaluated: 2020-03-25. Review status: criteria provided, single submitter. Criteria: GeneDx Variant Classification Process June 2021. Collection method: clinical testing. Allele origin: germline. Affected: yes.

Labcorp Genetics (formerly Invitae), Labcorp
Classification: Likely benign. Last evaluated: 2019-12-31. Review status: criteria provided, single submitter. Criteria: Invitae Variant Classification Sherloc (09022015). Collection method: clinical testing. Allele origin: germline.

Breakthrough Genomics
Classification: Likely benign. Review status: criteria provided, single submitter. Criteria: ACMG Guidelines, 2015. Collection method: not provided. Allele origin: germline. Inheritance: Autosomal dominant inheritance. Affected: yes.

PreventionGenetics, part of Exact Sciences
Classification: Benign for TNC-related condition. Last evaluated: 2019-06-13. Review status: no assertion criteria provided. Collection method: clinical testing. Allele origin: germline. Not counted in ClinVar's aggregate classification.
Comment: This variant is classified as benign based on ACMG/AMP sequence variant interpretation guidelines (Richards et al. 2015 PMID: 25741868, with internal and published modifications).

NM_002160.4(TNC):c.5093G>C (p.Arg1698Pro)

Gene: TNC (tenascin C; minus strand). Cytogenetic location: 9q33.1.
Variant type: single nucleotide variant.
Coding change: c.5093G>C on transcript NM_002160.4 (MANE Select); coding-DNA position 5093, G replaced by C.
Protein change: p.Arg1698Pro; replaces arginine 1698 with proline.
Molecular consequence: missense variant.
Genome position (GRCh38, 1-based): chr9:115,046,442, C>G on the plus strand (G>C on the coding strand, the complement: TNC is on the minus strand). VCF-style: chr9-115046442-C-G. GRCh37 (hg19) VCF-style: chr9-117808721-C-G.
Other names: short protein forms R1698P.
Identifiers: ClinVar variation 724494 (VCV000724494.37), dbSNP rs61734387, ClinGen allele CA5207759.